The following is an entry in ClinVar:

ClinVar aggregate classification (germline): Benign. Review status: criteria provided, multiple submitters, no conflicts (2 of 4 stars). 15 submissions from 13 submitters: Benign (12). 3 of the submissions do not count toward it. Last evaluated 2026-02-04.

Conditions:
Cardiovascular phenotype. Identifiers: MedGen CN230736.
Short QT syndrome type 3. Identifiers: Orphanet 51083, MedGen C1865018, MONDO:0012314, OMIM 609622.
Andersen Tawil syndrome (LQT7). Also called: ANDERSEN CARDIODYSRHYTHMIC PERIODIC PARALYSIS; Potassium-sensitive periodic paralysis, ventricular ectopy, and dysmorphic features; Andersen Syndrome; LONG QT SYNDROME 7; PERIODIC PARALYSIS, POTASSIUM-SENSITIVE CARDIODYSRHYTHMIC TYPE. Identifiers: Orphanet 37553, MedGen C1563715, MONDO:0008222, OMIM 170390.
Atrial fibrillation, familial, 9 (ATFB9). Identifiers: MedGen C3151431, MONDO:0013513, OMIM 613980.

Allele frequency attached by ClinVar (database versions not stated): gnomAD exomes 0.12050 and 0.13636; ESP Exome Variant Server 0.12256; gnomAD 0.12771 and 0.12942; ExAC 0.13372; TOPMed 0.13750; 1000 Genomes Project 0.15395; 1000 Genomes Project 30x 0.15787.
gnomAD v4.1: 196,006 of 1,613,708 alleles (12%); highest among the groups gnomAD compares: Admixed American, 21%; 12,253 homozygotes.

Submissions (15):

Labcorp Genetics (formerly Invitae), Labcorp
Classification: Benign for Short QT syndrome type 3; Andersen Tawil syndrome. Last evaluated: 2026-02-04. Review status: criteria provided, single submitter. Criteria: Invitae Variant Classification Sherloc (09022015). Collection method: clinical testing. Allele origin: germline.

ARUP Laboratories, Molecular Genetics and Genomics, ARUP Laboratories
Classification: Benign. Last evaluated: 2025-07-28. Review status: criteria provided, single submitter. Criteria: ARUP Molecular Germline Variant Investigation Process 2024. Collection method: clinical testing. Allele origin: germline.

Molecular Diagnostic Laboratory for Inherited Cardiovascular Disease, Montreal Heart Institute
Classification: Benign. Last evaluated: 2025-04-08. Review status: criteria provided, single submitter. Criteria: ACMG Guidelines, 2015. Collection method: clinical testing. Allele origin: germline. Affected: no.

Blueprint Genetics
Classification: Benign. Last evaluated: 2024-11-28. Review status: criteria provided, single submitter. Criteria: ACMG Guidelines, 2015. Collection method: clinical testing. Allele origin: germline.

Illumina Laboratory Services, Illumina
Classification: Benign for Short QT syndrome type 3. Last evaluated: 2018-01-13. Review status: criteria provided, single submitter. Criteria: ICSL Variant Classification Criteria 13 December 2019. Collection method: clinical testing. Allele origin: germline.
Comment: This variant was observed in the ICSL laboratory as part of a predisposition screen in an ostensibly healthy population. It had not been previously curated by ICSL or reported in the Human Gene Mutation Database (HGMD: prior to June 1st, 2018), and was therefore a candidate for classification through an automated scoring system. Utilizing variant allele frequency, disease prevalence and penetrance estimates, and inheritance mode, an automated score was calculated to assess if this variant is too frequent to cause the disease. Based on the score and internal cut-off values, a variant classified as benign is not then subjected to further curation. The score for this variant resulted in a classification of benign for this disease.

Illumina Laboratory Services, Illumina
Classification: Benign for Atrial fibrillation, familial, 9. Last evaluated: 2018-01-13. Review status: criteria provided, single submitter. Criteria: ICSL Variant Classification Criteria 13 December 2019. Collection method: clinical testing. Allele origin: germline.
Comment: the same text as in the submission from Illumina Laboratory Services, Illumina above.

Illumina Laboratory Services, Illumina
Classification: Benign for Andersen Tawil syndrome. Last evaluated: 2018-01-13. Review status: criteria provided, single submitter. Criteria: ICSL Variant Classification Criteria 13 December 2019. Collection method: clinical testing. Allele origin: germline.
Comment: the same text as in the submission from Illumina Laboratory Services, Illumina above.

Mayo Clinic Laboratories, Mayo Clinic
Classification: Benign. Last evaluated: 2017-07-24. Review status: criteria provided, single submitter. Criteria: ACMG Guidelines, 2015. Collection method: clinical testing. Allele origin: germline. Observed: 383 variant alleles.

Ambry Genetics
Classification: Benign for Cardiovascular phenotype. Last evaluated: 2015-06-24. Review status: criteria provided, single submitter. Criteria: Ambry Variant Classification Scheme 2023. Collection method: clinical testing. Allele origin: germline.

GeneDx
Classification: Benign. Last evaluated: 2011-07-07. Review status: criteria provided, single submitter. Criteria: GeneDx Variant Classification (06012015). Collection method: clinical testing. Allele origin: germline. Affected: yes.
Comment: This variant is considered likely benign or benign based on one or more of the following criteria: it is a conservative change, it occurs at a poorly conserved position in the protein, it is predicted to be benign by multiple in silico algorithms, and/or has population frequency not consistent with disease.

Breakthrough Genomics
Classification: Benign. Review status: criteria provided, single submitter. Criteria: ACMG Guidelines, 2015. Collection method: not provided. Allele origin: germline. Inheritance: Autosomal dominant inheritance. Affected: yes.

PreventionGenetics, part of Exact Sciences
Classification: Benign. Review status: criteria provided, single submitter. Criteria: ACMG Guidelines, 2015. Collection method: clinical testing. Allele origin: germline.

Clinical Genetics, Academic Medical Center
Classification: Benign. Review status: no assertion criteria provided. Collection method: clinical testing. Allele origin: germline. Affected: yes. Study: VKGL Data-share Consensus. Not counted in ClinVar's aggregate classification.

Genome Diagnostics Laboratory, University Medical Center Utrecht
Classification: Benign. Review status: no assertion criteria provided. Collection method: clinical testing. Allele origin: germline. Affected: yes. Study: VKGL Data-share Consensus. Not counted in ClinVar's aggregate classification.

Joint Genome Diagnostic Labs from Nijmegen and Maastricht, Radboudumc and MUMC+
Classification: Benign. Review status: no assertion criteria provided. Collection method: clinical testing. Allele origin: germline. Affected: yes. Study: VKGL Data-share Consensus. Not counted in ClinVar's aggregate classification.

NM_000891.3(KCNJ2):c.1146C>T (p.Leu382=)

Gene: KCNJ2 (potassium inwardly rectifying channel subfamily J member 2; plus strand). Cytogenetic location: 17q24.3.
Variant type: single nucleotide variant.
Coding change: c.1146C>T on transcript NM_000891.3 (MANE Select); coding-DNA position 1146, C replaced by T.
Protein change: p.Leu382=; no amino-acid change (leucine 382 retained).
Molecular consequence: synonymous variant.
Genome position (GRCh38, 1-based): chr17:70,176,185, C>T. VCF-style: chr17-70176185-C-T. GRCh37 (hg19) VCF-style: chr17-68172326-C-T.
Other names: p.L382L:CTC>CTT; p.Leu382=.
Identifiers: ClinVar variation 137988 (VCV000137988.45), dbSNP rs173135, ClinGen allele CA291745.